The following is an entry in ClinVar:

ClinVar aggregate classification (germline): Likely benign (1 of 4 stars; one submission).

Conditions:
RP1L1-related disorder. Also called: RP1L1-related condition.

Submission:

PreventionGenetics, part of Exact Sciences
Classification: Likely benign for RP1L1-related condition. Last evaluated: 2024-11-04. Review status: criteria provided, single submitter. Criteria: ACMG Guidelines, 2015. Collection method: clinical testing. Allele origin: germline.
Comment: This variant is classified as likely benign based on ACMG/AMP sequence variant interpretation guidelines (Richards et al. 2015 PMID: 25741868, with internal and published modifications).

NM_178857.6(RP1L1):c.2376G>C (p.Leu792=)

Gene: RP1L1 (RP1 like 1). Cytogenetic location: 8p23.1.
Variant type: single nucleotide variant.
Coding change: c.2376G>C on transcript NM_178857.6 (MANE Select); coding-DNA position 2376, G replaced by C.
Protein change: p.Leu792=; no amino-acid change (leucine 792 retained).
Molecular consequence: synonymous variant.
Genome position (GRCh38, 1-based): chr8:10,611,722, C>G on the plus strand (G>C on the coding strand, the complement: RP1L1 is on the minus strand). VCF-style: chr8-10611722-C-G. GRCh37 (hg19) VCF-style: chr8-10469232-C-G.
Identifiers: ClinVar variation 4986894 (VCV004986894.1).